The following is an entry in ClinVar:

NM_000535.7(PMS2):c.804-45C>G

Gene: PMS2 (PMS1 homolog 2, mismatch repair system component; minus strand). Cytogenetic location: 7p22.1.
Variant type: single nucleotide variant.
Coding change: c.804-45C>G on transcript NM_000535.7 (MANE Select); 45 bases into the intron before coding-DNA position 804, C replaced by G.
Molecular consequence: intron variant.
Genome position (GRCh38, 1-based): chr7:5,995,678, G>C on the plus strand (C>G on the coding strand, the complement: PMS2 is on the minus strand). VCF-style: chr7-5995678-G-C. GRCh37 (hg19) VCF-style: chr7-6035309-G-C.
Other names: c.486-45C>G (NM_001322008.2, NM_001406902.1, NM_001406883.1 and 4 more transcripts); c.495-45C>G (NM_001406881.1, NM_001406879.1, NM_001322015.2 and 6 more transcripts); c.399-45C>G (NM_001406895.1, NM_001322010.2, NM_001322004.2 and 19 more transcripts); c.133-3621C>G (NM_001406911.1); c.291-45C>G (NM_001406904.1, NM_001406905.1); c.231-45C>G (NM_001322013.2, NM_001406909.1); c.-130-45C>G (NM_001322012.2, NM_001322011.2); c.468-45C>G (NM_001406885.1); and 8 more.
Identifiers: ClinVar variation 3904158 (VCV003904158.1).

ClinVar aggregate classification (germline): Benign (1 of 4 stars; one submission).

Conditions:
Lynch syndrome 4 (LYNCH4). Also called: Colorectal cancer, hereditary nonpolyposis, type 4; Hereditary non-polyposis colorectal cancer, type 4. Identifiers: Orphanet 144, MedGen C1838333, MONDO:0013699, OMIM 614337. Disease mechanism: loss of function.

Submission:

Myriad Genetics, Inc.
Classification: Benign for Lynch syndrome 4. Last evaluated: 2025-01-28. Review status: criteria provided, single submitter. Criteria: Myriad Autosomal Dominant, Autosomal Recessive and X-Linked Classification Criteria (2023). Collection method: clinical testing. Allele origin: unknown.
Comment: This variant is considered benign. This variant is intronic and is not expected to impact mRNA splicing.